The following is an entry in ClinVar:

NM_033004.4(NLRP1):c.881C>T (p.Pro294Leu)

Gene: NLRP1 (NLR family pyrin domain containing 1; minus strand). Cytogenetic location: 17p13.2.
Variant type: single nucleotide variant.
Coding change: c.881C>T on transcript NM_033004.4 (MANE Select); coding-DNA position 881, C replaced by T.
Protein change: p.Pro294Leu; replaces proline 294 with leucine.
Molecular consequence: missense variant.
Genome position (GRCh38, 1-based): chr17:5,559,815, G>A on the plus strand (C>T on the coding strand, the complement: NLRP1 is on the minus strand). VCF-style: chr17-5559815-G-A. GRCh37 (hg19) VCF-style: chr17-5463135-G-A.
Other names: c.881C>T, p.Pro294Leu (NM_001033053.3, NM_014922.5, NM_033006.4 and 1 more transcripts); short protein forms P294L.
Identifiers: ClinVar variation 2166355 (VCV002166355.4), dbSNP rs773866014, ClinGen allele CA8327470.
Genomic context (GRCh38, chr17:5,559,815, plus strand): 5'-ATCTCAATTAAATGTCCTCGATTCTCCTCCACATAATCAGGCCAGCTTCTCTTGACCAGG[G>A]GATCTTGGCTTCTGGGGTGAGGTCTTTGTAGAAGTAGCAGCTGTGTGAATTTTTGGTTAA-3'
Protein context (NP_127497.1, residues 284-304): LQRPHPRSQD[Pro294Leu]LVKRSWPDYV

ClinVar aggregate classification (germline): Uncertain significance (1 of 4 stars; one submission).

Allele frequency attached by ClinVar (database versions not stated): gnomAD exomes below 0.00001; ExAC 0.00001.
gnomAD v4.1: 3 of 1,614,232 alleles (0.00019%); highest among the groups gnomAD compares: East Asian, 0.0045%; no homozygotes.

Submission:

Labcorp Genetics (formerly Invitae), Labcorp
Classification: Uncertain significance. Last evaluated: 2022-09-09. Review status: criteria provided, single submitter. Criteria: Invitae Variant Classification Sherloc (09022015). Collection method: clinical testing. Allele origin: germline.
Comment: Algorithms developed to predict the effect of missense changes on protein structure and function output the following: SIFT: "Tolerated"; PolyPhen-2: "Benign"; Align-GVGD: "Class C0". The leucine amino acid residue is found in multiple mammalian species, which suggests that this missense change does not adversely affect protein function. This variant has not been reported in the literature in individuals affected with NLRP1-related conditions. This variant is present in population databases (rs773866014, gnomAD 0.01%). This sequence change replaces proline, which is neutral and non-polar, with leucine, which is neutral and non-polar, at codon 294 of the NLRP1 protein (p.Pro294Leu). In summary, the available evidence is currently insufficient to determine the role of this variant in disease. Therefore, it has been classified as a Variant of Uncertain Significance.